The following is an entry in ClinVar:

NM_007294.4(BRCA1):c.237T>C (p.Phe79=)

Gene: BRCA1 (BRCA1 DNA repair associated; minus strand). Cytogenetic location: 17q21.31.
Variant type: single nucleotide variant.
Coding change: c.237T>C on transcript NM_007294.4 (MANE Select); coding-DNA position 237, T replaced by C.
Protein change: p.Phe79=; no amino-acid change (phenylalanine 79 retained).
Molecular consequence: synonymous variant. On other transcripts: 5 prime UTR variant (7), intron variant (2).
Genome position (GRCh38, 1-based): chr17:43,104,932, A>G on the plus strand (T>C on the coding strand, the complement: BRCA1 is on the minus strand). VCF-style: chr17-43104932-A-G. GRCh37 (hg19) VCF-style: chr17-41256949-A-G.
Other names: c.237T>C, p.Phe79= (NM_001408446.1, NM_001408447.1, NM_001408448.1 and 168 more transcripts); c.105T>C, p.Phe35= (NM_001408451.1); c.96T>C, p.Phe32= (NM_001408452.1, NM_001408453.1, NM_001408454.1 and 99 more transcripts); c.159T>C, p.Phe53= (NM_001408474.1, NM_001408475.1, NM_001408476.1 and 21 more transcripts); c.27T>C, p.Phe9= (NM_001408478.1, NM_001408479.1, NM_001408480.1 and 58 more transcripts); c.-145T>C (NM_001408510.1, NM_001408512.1, NM_001407959.1 and 4 more transcripts); c.-218-10072T>C (NM_001407967.1, NM_001407966.1).
Identifiers: ClinVar variation 865310 (VCV000865310.3), dbSNP rs2054691161, ClinGen allele CA500127637.

Conditions:
Breast-ovarian cancer, familial, susceptibility to, 1 (BROVCA1). Also called: BRCA1 Hereditary Breast and Ovarian Cancer; OVARIAN CANCER, SUSCEPTIBILITY TO. Identifiers: Orphanet 145, MedGen C2676676, MONDO:0011450, OMIM 604370. Disease mechanism: loss of function.

Submission:

Brotman Baty Institute, University of Washington
No classification provided (evidence only). Condition: Breast-ovarian cancer, familial 1. Review status: no classification provided. Collection method: in vitro. Allele origin: not applicable. Functional consequence: functionally_normal.
ClinVar note: "not provided" was previously submitted as the classification for the variant. However, the classification appeared to be based only on an observation of functional data so it was converted to no classification on 2025-07-30.